The following is an entry in ClinVar:

ClinVar aggregate classification (germline): Pathogenic. Review status: criteria provided, multiple submitters, no conflicts (2 of 4 stars). 5 submissions from 5 submitters: Pathogenic (4). 1 of the submissions does not count toward it. Last evaluated 2025-10-12.

Conditions:
Metabolic crises with rhabdomyolysis, cardiac arrhythmias, and neurodegeneration.
Recurrent metabolic encephalomyopathic crises-rhabdomyolysis-cardiac arrhythmia-intellectual disability syndrome (MECRCN). Also called: TANGO2 Deficiency; Metabolic encephalomyopathic crises, recurrent, with rhabdomyolysis, cardiac arrhythmias, and neurodegeneration; METABOLIC CRISES, RECURRENT, WITH RHABDOMYOLYSIS, CARDIAC ARRHYTHMIAS, AND NEURODEGENERATION. Identifiers: Orphanet 480864, MedGen C5567524, MONDO:0018820, OMIM 616878.

Allele frequency attached by ClinVar (database versions not stated): ExAC 0.00001; gnomAD 0.00001.
gnomAD v4.1: 9 of 1,614,028 alleles (0.00056%); highest among the groups gnomAD compares: South Asian, 0.0011%; no homozygotes.

Submissions (5):

Labcorp Genetics (formerly Invitae), Labcorp
Classification: Pathogenic. Last evaluated: 2025-10-12. Review status: criteria provided, single submitter. Criteria: Invitae Variant Classification Sherloc (09022015). Collection method: clinical testing. Allele origin: germline.
Comment: This sequence change creates a premature translational stop signal (p.Arg140*) in the TANGO2 gene. It is expected to result in an absent or disrupted protein product. Loss-of-function variants in TANGO2 are known to be pathogenic (PMID: 26805781, 26805782). This variant is present in population databases (rs764883927, gnomAD 0.0009%). This premature translational stop signal has been observed in individual(s) with TANGO2-related conditions (PMID: 26805782). ClinVar contains an entry for this variant (Variation ID: 224774). For these reasons, this variant has been classified as Pathogenic.

Women's Health and Genetics/Laboratory Corporation of America, LabCorp
Classification: Pathogenic for Recurrent metabolic encephalomyopathic crises-rhabdomyolysis-cardiac arrhythmia-intellectual disability syndrome. Last evaluated: 2025-07-24. Review status: criteria provided, single submitter. Criteria: LabCorp Variant Classification Summary - May 2015. Collection method: clinical testing. Allele origin: germline.
Comment: Variant summary: TANGO2 c.418C>T (p.Arg140X) results in a premature termination codon, predicted to cause a truncation of the encoded protein or absence of the protein due to nonsense mediated decay, which are commonly known mechanisms for disease. The variant was absent in 251438 control chromosomes. c.418C>T has been observed in at least one homozygous individual affected with Recurrent Metabolic Encephalomyopathic Crises-Rhabdomyolysis Arrhythmia-Intellectual Disability Syndrome (Kremer_2016). These data indicate that the variant may be associated with disease. To our knowledge, no experimental evidence demonstrating an impact on protein function has been reported. The following publication have been ascertained in the context of this evaluation (PMID: 26805782). ClinVar contains an entry for this variant (Variation ID: 224774). Based on the evidence outlined above, the variant was classified as pathogenic.

GeneDx
Classification: Pathogenic. Last evaluated: 2024-01-31. Review status: criteria provided, single submitter. Criteria: GeneDx Variant Classification Process June 2021. Collection method: clinical testing. Allele origin: germline. Affected: yes.
Comment: Nonsense variant predicted to result in protein truncation or nonsense mediated decay in a gene for which loss of function is a known mechanism of disease; Not observed at significant frequency in large population cohorts (gnomAD); This variant is associated with the following publications: (PMID: 26805782, 32909282, 33083013, 34668327)

CENTOGENE GmbH and LLC - Guiding Precision Medicine
Classification: Pathogenic for Metabolic crises with rhabdomyolysis, cardiac arrhythmias, and neurodegeneration. Review status: criteria provided, single submitter. Criteria: ACMG Guidelines, 2015. Collection method: clinical testing. Allele origin: germline. Affected: yes.

OMIM
Classification: Pathogenic for METABOLIC CRISES, RECURRENT, WITH RHABDOMYOLYSIS, CARDIAC ARRHYTHMIAS, AND NEURODEGENERATION. Last evaluated: 2019-05-09. Review status: no assertion criteria provided. Collection method: literature only. Allele origin: germline. Not counted in ClinVar's aggregate classification.

Literature cited by the submitters: PubMed 26805781 (cited by Labcorp Genetics (formerly Invitae), Labcorp); PubMed 26805782 (cited by 3 submitters).

NM_152906.7(TANGO2):c.418C>T (p.Arg140Ter)

Gene: TANGO2 (transport and golgi organization 2 homolog; plus strand). Cytogenetic location: 22q11.21.
Variant type: single nucleotide variant.
Coding change: c.418C>T on transcript NM_152906.7 (MANE Select); coding-DNA position 418, C replaced by T.
Protein change: p.Arg140Ter; replaces arginine 140 with a stop codon.
Molecular consequence: nonsense. On other transcripts: non-coding transcript variant (4), intron variant (11).
Genome position (GRCh38, 1-based): chr22:20,055,980, C>T. VCF-style: chr22-20055980-C-T. GRCh37 (hg19) VCF-style: chr22-20043503-C-T.
Other names: c.418C>T, p.Arg140Ter (NM_001283106.3, NM_001283116.3, NM_001283148.3 and 2 more transcripts); c.541C>T, p.Arg181Ter (NM_001283129.3, NM_001283215.3, NM_001322141.2 and 2 more transcripts); c.124C>T, p.Arg42Ter (NM_001283235.3, NM_001322150.2, NM_001322153.2 and 6 more transcripts); c.316C>T, p.Arg106Ter (NM_001322146.2, NM_001322148.2, NM_001322160.2); c.265+3396C>T (NM_001322163.2, NM_001283179.3, NM_001322167.2 and 4 more transcripts); c.388+3396C>T (NM_001322145.2, NM_001322147.2); c.380+2429C>T (NM_001283199.3); c.503+2429C>T (NM_001322149.2); and 1 more; short protein forms R140*, R181*, R42*, R106*.
Identifiers: ClinVar variation 224774 (VCV000224774.13), dbSNP rs764883927, ClinGen allele CA358667.